The following is an entry in ClinVar:

NM_000051.4(ATM):c.8787-1dup

Genes: ATM (ATM serine/threonine kinase; plus strand), C11orf65 (chromosome 11 open reading frame 65; minus strand). Cytogenetic location: 11q22.3.
Variant type: Duplication.
Coding change: c.8787-1dup on transcript NM_000051.4 (MANE Select); the canonical splice acceptor site of the intron before coding-DNA position 8787, one base duplicated (G; older notation c.8787-1dupG).
Molecular consequence: splice acceptor variant. On other transcripts: intron variant (2).
Genome position (GRCh38, 1-based): chr11:108,354,810, G duplicated. VCF-style (leftmost placement, unchanged base first): chr11-108354809-A-AG. GRCh37 (hg19) VCF-style: chr11-108225536-A-AG.
Other names: c.8787-1dup (NM_001351834.2); c.640+31110dup (NM_001330368.2); c.695-19518dup (NM_001351110.2).
Identifiers: ClinVar variation 3240787 (VCV003240787.3), dbSNP rs2547534973.

ClinVar aggregate classification (germline): Likely pathogenic. Review status: criteria provided, multiple submitters, no conflicts (2 of 4 stars). 2 submissions from 2 submitters: Likely pathogenic (2). Last evaluated 2024-12-24.

Conditions:
Familial cancer of breast. Also called: hereditary breast carcinoma; BREAST CANCER, FAMILIAL; Hereditary breast cancer. Identifiers: Orphanet 227535, MedGen C0346153, MONDO:0016419, OMIM 114480. Disease mechanism: loss of function.
Ataxia-telangiectasia syndrome (AT). Also called: AT, COMPLEMENTATION GROUP C; Ataxia-telangiectasia, complementation group D; ATAXIA-TELANGIECTASIA, COMPLEMENTATION GROUP A; ATAXIA-TELANGIECTASIA, FRESNO VARIANT; Ataxia-telangiectasia; Ataxia-telangiectasia, complementation group E. Identifiers: Orphanet 100, MedGen C0004135, MONDO:0008840, OMIM 208900.

Submissions (2):

Labcorp Genetics (formerly Invitae), Labcorp
Classification: Likely pathogenic for Ataxia-telangiectasia syndrome. Last evaluated: 2024-12-24. Review status: criteria provided, single submitter. Criteria: Invitae Variant Classification Sherloc (09022015). Collection method: clinical testing. Allele origin: germline.
Comment: This sequence change affects a splice site in intron 60 of the ATM gene. RNA analysis indicates that disruption of this splice site induces altered splicing and may result in an absent or altered protein product. This variant is not present in population databases (gnomAD no frequency). This variant has not been reported in the literature in individuals affected with ATM-related conditions. ClinVar contains an entry for this variant (Variation ID: 3240787). Studies have shown that disruption of this splice site results in activation of a cryptic splice site, and produces a non-functional protein and/or introduces a premature termination codon (internal data). In summary, the currently available evidence indicates that the variant is pathogenic, but additional data are needed to prove that conclusively. Therefore, this variant has been classified as Likely Pathogenic.

Baylor Genetics
Classification: Likely pathogenic for Familial cancer of breast. Last evaluated: 2023-12-13. Review status: criteria provided, single submitter. Criteria: ACMG Guidelines, 2015. Collection method: clinical testing. Allele origin: unknown.